The following is an entry in ClinVar:

NM_015057.5(MYCBP2):c.11042G>A (p.Trp3681Ter)

Genes: MYCBP2 (MYC binding protein 2; minus strand), MYCBP2-AS1 (MYCBP2 antisense RNA 1; plus strand). Cytogenetic location: 13q22.3.
Variant type: single nucleotide variant.
Coding change: c.11042G>A on transcript NM_015057.5 (MANE Select); coding-DNA position 11042, G replaced by A.
Protein change: p.Trp3681Ter; replaces tryptophan 3681 with a stop codon.
Molecular consequence: nonsense.
Genome position (GRCh38, 1-based): chr13:77,081,988, C>T on the plus strand (G>A on the coding strand, the complement: MYCBP2 is on the minus strand). VCF-style: chr13-77081988-C-T. GRCh37 (hg19) VCF-style: chr13-77656123-C-T.
Other names: short protein forms W3681*.
Identifiers: ClinVar variation 1803544 (VCV001803544.1), dbSNP rs2503009517, ClinGen allele CA388384213.

ClinVar aggregate classification (germline): Uncertain significance (1 of 4 stars; one submission).

Submission:

GeneDx
Classification: Uncertain significance. Last evaluated: 2022-06-10. Review status: criteria provided, single submitter. Criteria: GeneDx Variant Classification Process June 2021. Collection method: clinical testing. Allele origin: germline. Affected: yes.
Comment: Not observed at significant frequency in large population cohorts (gnomAD); Nonsense variant predicted to result in protein truncation or nonsense mediated decay in a gene for which loss of function is not a known mechanism of disease; Has not been previously published as pathogenic or benign to our knowledge; Variants in candidate genes are classified as variants of uncertain significance in accordance with ACMG guidelines (Richards et al., 2015)